The following is an entry in ClinVar:

NM_033337.3(CAV3):c.276C>T (p.Phe92=)

Genes: CAV3 (caveolin 3; plus strand), OXTR (oxytocin receptor; minus strand). Cytogenetic location: 3p25.3.
Variant type: single nucleotide variant.
Coding change: c.276C>T on transcript NM_033337.3 (MANE Select); coding-DNA position 276, C replaced by T.
Protein change: p.Phe92=; no amino-acid change (phenylalanine 92 retained).
Molecular consequence: synonymous variant.
Genome position (GRCh38, 1-based): chr3:8,745,687, C>T. VCF-style: chr3-8745687-C-T. GRCh37 (hg19) VCF-style: chr3-8787373-C-T.
Other names: p.Phe92=; c.276C>T, p.Phe92= (NM_001234.5).
Identifiers: ClinVar variation 46534 (VCV000046534.61), dbSNP rs72546669, ClinGen allele CA138566.
Genomic context (GRCh38, chr3:8,745,687, plus strand): 5'-CTACCGTCTGTTGTCCACGCTGCTGGGCGTCCCACTGGCCCTGCTCTGGGGCTTCCTGTT[C>T]GCCTGCATCTCCTTCTGCCACATCTGGGCGGTGGTGCCATGCATTAAGAGCTACCTGATC-3'
Protein context (NP_203123.1, residues 82-102): VPLALLWGFL[Phe92=]ACISFCHIWA

ClinVar aggregate classification (germline): Conflicting classifications of pathogenicity. Review status: criteria provided, conflicting classifications (1 of 4 stars). 17 submissions from 17 submitters: Uncertain significance (1); Benign (6); Likely benign (5). 5 of the submissions do not count toward it. Last evaluated 2026-01-17.

Conditions:
CAV3-related disorder. Also called: CAV3-related condition.
Cardiovascular phenotype. Identifiers: MedGen CN230736.
Caveolinopathy. Identifiers: Orphanet 207078, MedGen C5679790, MONDO:0016146.
Long QT syndrome (LQTS). Identifiers: MedGen C0023976, MeSH D008133, MONDO:0002442. Disease mechanism: loss of function. Inheritance: Various modes of inheritance.
Cardiomyopathy (CMYO). Also called: Cardiomyopathies. Identifiers: Orphanet 167848, MedGen C0878544, MONDO:0004994, HP:0001638. Inheritance: Various modes of inheritance.

Allele frequency attached by ClinVar (database versions not stated): ESP Exome Variant Server 0.00015; 1000 Genomes Project 30x 0.00016; 1000 Genomes Project 0.00020; gnomAD 0.00047 and 0.00049; TOPMed 0.00051; gnomAD exomes 0.00066 and 0.00074; ExAC 0.00071.
gnomAD v4.1: 1,147 of 1,614,168 alleles (0.071%); highest among the groups gnomAD compares: Non-Finnish European, 0.088%; 4 homozygotes.

Submissions (17):

Labcorp Genetics (formerly Invitae), Labcorp
Classification: Benign for Long QT syndrome. Last evaluated: 2026-01-17. Review status: criteria provided, single submitter. Criteria: Invitae Variant Classification Sherloc (09022015). Collection method: clinical testing. Allele origin: germline.

CeGaT Center for Human Genetics Tuebingen
Classification: Likely benign. Last evaluated: 2025-12-01. Review status: criteria provided, single submitter. Criteria: CeGaT Center For Human Genetics Tuebingen Variant Classification Criteria Version 2. Collection method: clinical testing. Allele origin: germline. Affected: yes. Observed: 3 variant alleles.
Comment: CAV3: BP4, BP7

Mayo Clinic Laboratories, Mayo Clinic
Classification: Benign. Last evaluated: 2025-04-14. Review status: criteria provided, single submitter. Criteria: ACMG Guidelines, 2015. Collection method: clinical testing. Allele origin: germline. Observed: 2 variant alleles.
Comment: BS1, BP4, BP7

Blueprint Genetics
Classification: Likely benign. Last evaluated: 2024-11-25. Review status: criteria provided, single submitter. Criteria: ACMG Guidelines, 2015. Collection method: clinical testing. Allele origin: germline.

Women's Health and Genetics/Laboratory Corporation of America, LabCorp
Classification: Benign. Last evaluated: 2022-01-22. Review status: criteria provided, single submitter. Criteria: LabCorp Variant Classification Summary - May 2015. Collection method: clinical testing. Allele origin: germline.

Eurofins Ntd Llc (ga)
Classification: Uncertain significance. Last evaluated: 2018-07-10. Review status: criteria provided, single submitter. Criteria: EGL ClinVar v180209 classification definitions. Collection method: clinical testing. Allele origin: germline. Observed: 6 variant alleles, 6 heterozygotes.

Illumina Laboratory Services, Illumina
Classification: Benign for Caveolinopathy. Last evaluated: 2017-09-23. Review status: criteria provided, single submitter. Criteria: ICSL Variant Classification Criteria 13 December 2019. Collection method: clinical testing. Allele origin: germline.
Comment: This variant was observed as part of a predisposition screen in an ostensibly healthy population. A literature search was performed for the gene, cDNA change, and amino acid change (where applicable). No publications were found based on this search. Allele frequency data from public databases was too high to be consistent with this variant causing disease. Therefore, this variant is classified as benign.

CHEO Genetics Diagnostic Laboratory, Children's Hospital of Eastern Ontario
Classification: Likely benign for Cardiomyopathy. Last evaluated: 2017-07-17. Review status: criteria provided, single submitter. Criteria: ACMG Guidelines, 2015. Collection method: clinical testing. Allele origin: germline. Study: Canadian Open Genetics Repository.

Athena Diagnostics
Classification: Benign. Last evaluated: 2016-09-26. Review status: criteria provided, single submitter. Criteria: Athena Diagnostics Criteria. Collection method: clinical testing. Allele origin: germline.

Ambry Genetics
Classification: Likely benign for Cardiovascular phenotype. Last evaluated: 2015-12-03. Review status: criteria provided, single submitter. Criteria: Ambry Variant Classification Scheme 2023. Collection method: clinical testing. Allele origin: germline.

GeneDx
Classification: Benign. Last evaluated: 2015-03-03. Review status: criteria provided, single submitter. Criteria: GeneDx Variant Classification Process June 2021. Collection method: clinical testing. Allele origin: germline. Affected: yes.

Laboratory for Molecular Medicine, Mass General Brigham Personalized Medicine
Classification: Likely benign. Last evaluated: 2012-05-24. Review status: criteria provided, single submitter. Criteria: LMM Criteria. Collection method: clinical testing. Allele origin: germline. Observed: 1 variant allele.
Comment: Phe92Phe in exon 02 of CAV3: This variant is not expected to have clinical signi ficance because it does not alter an amino acid residue and is not located withi n the splice consensus sequence. It has been identified in 1/7020 European Ameri can chromosomes from a broad population by the NHLBI Exome Sequencing Project (dbSNP rs72546669). Phe92Phe in exon 02 of CAV3 (rs72546669; allele frequency = 1/7020) **

PreventionGenetics, part of Exact Sciences
Classification: Likely benign for CAV3-related condition. Last evaluated: 2019-09-17. Review status: no assertion criteria provided. Collection method: clinical testing. Allele origin: germline. Not counted in ClinVar's aggregate classification.
Comment: This variant is classified as likely benign based on ACMG/AMP sequence variant interpretation guidelines (Richards et al. 2015 PMID: 25741868, with internal and published modifications).

Clinical Genetics, Academic Medical Center
Classification: Benign. Review status: no assertion criteria provided. Collection method: clinical testing. Allele origin: germline. Affected: yes. Study: VKGL Data-share Consensus. Not counted in ClinVar's aggregate classification.

Diagnostic Laboratory, Department of Genetics, University Medical Center Groningen
Classification: Likely benign. Review status: no assertion criteria provided. Collection method: clinical testing. Allele origin: germline. Affected: yes. Study: VKGL Data-share Consensus. Not counted in ClinVar's aggregate classification.

Genome Diagnostics Laboratory, University Medical Center Utrecht
Classification: Likely benign. Review status: no assertion criteria provided. Collection method: clinical testing. Allele origin: germline. Affected: yes. Study: VKGL Data-share Consensus. Not counted in ClinVar's aggregate classification.

Joint Genome Diagnostic Labs from Nijmegen and Maastricht, Radboudumc and MUMC+
Classification: Benign. Review status: no assertion criteria provided. Collection method: clinical testing. Allele origin: germline. Affected: yes. Study: VKGL Data-share Consensus. Not counted in ClinVar's aggregate classification.